The following is an entry in ClinVar:

NM_006514.4(SCN10A):c.389+251C>T

Gene: SCN10A (sodium voltage-gated channel alpha subunit 10; minus strand). Cytogenetic location: 3p22.2.
Variant type: single nucleotide variant.
Coding change: c.389+251C>T on transcript NM_006514.4 (MANE Select); 251 bases into the intron after coding-DNA position 389, C replaced by T.
Molecular consequence: intron variant.
Genome position (GRCh38, 1-based): chr3:38,791,799, G>A on the plus strand (C>T on the coding strand, the complement: SCN10A is on the minus strand). VCF-style: chr3-38791799-G-A. GRCh37 (hg19) VCF-style: chr3-38833290-G-A.
Other names: c.389+251C>T (NM_001293307.2, NM_001293306.2).
Identifiers: ClinVar variation 670005 (VCV000670005.1), dbSNP rs150127567, ClinGen allele CA72962343.

ClinVar aggregate classification (germline): Likely benign (1 of 4 stars; one submission).

Allele frequency attached by ClinVar (database versions not stated): gnomAD 0.00774 and 0.00825; TOPMed 0.00858; 1000 Genomes Project 0.00919; 1000 Genomes Project 30x 0.00937.
gnomAD v4.1: 1,171 of 152,270 alleles (0.77%); highest among the groups gnomAD compares: African/African-American, 2.7%; 10 homozygotes.

Submission:

GeneDx
Classification: Likely benign. Last evaluated: 2018-06-14. Review status: criteria provided, single submitter. Criteria: GeneDx Variant Classification (06012015). Collection method: clinical testing. Allele origin: germline. Affected: yes.
Comment: This variant is considered likely benign or benign based on one or more of the following criteria: it is a conservative change, it occurs at a poorly conserved position in the protein, it is predicted to be benign by multiple in silico algorithms, and/or has population frequency not consistent with disease.